The following is an entry in ClinVar:

ClinVar aggregate classification (germline): Uncertain significance. Review status: criteria provided, multiple submitters, no conflicts (2 of 4 stars). 3 submissions from 3 submitters: Uncertain significance (3). Last evaluated 2025-08-30.

Allele frequency attached by ClinVar (database versions not stated): TOPMed below 0.00001; ExAC 0.00001; gnomAD exomes 0.00001; gnomAD 0.00002.
gnomAD v4.1: 17 of 1,614,070 alleles (0.0011%); highest among the groups gnomAD compares: Non-Finnish European, 0.0014%; no homozygotes.

Submissions (3):

Ambry Genetics
Classification: Uncertain significance. Last evaluated: 2025-08-30. Review status: criteria provided, single submitter. Criteria: Ambry Variant Classification Scheme 2023. Collection method: clinical testing. Allele origin: germline.

Labcorp Genetics (formerly Invitae), Labcorp
Classification: Uncertain significance. Last evaluated: 2024-11-03. Review status: criteria provided, single submitter. Criteria: Invitae Variant Classification Sherloc (09022015). Collection method: clinical testing. Allele origin: germline.
Comment: This sequence change replaces leucine, which is neutral and non-polar, with proline, which is neutral and non-polar, at codon 199 of the PSMB4 protein (p.Leu199Pro). This variant is present in population databases (rs755747531, gnomAD 0.0009%). This variant has not been reported in the literature in individuals affected with PSMB4-related conditions. ClinVar contains an entry for this variant (Variation ID: 1407198). An algorithm developed to predict the effect of missense changes on protein structure and function (PolyPhen-2) suggests that this variant is likely to be disruptive. In summary, the available evidence is currently insufficient to determine the role of this variant in disease. Therefore, it has been classified as a Variant of Uncertain Significance.

Mayo Clinic Laboratories, Mayo Clinic
Classification: Uncertain significance. Last evaluated: 2024-04-08. Review status: criteria provided, single submitter. Criteria: ACMG Guidelines, 2015. Collection method: clinical testing. Allele origin: germline. Observed: 1 variant allele.
Comment: BP4, PM2

NM_002796.3(PSMB4):c.596T>C (p.Leu199Pro)

Gene: PSMB4 (proteasome 20S subunit beta 4; plus strand). Cytogenetic location: 1q21.3.
Variant type: single nucleotide variant.
Coding change: c.596T>C on transcript NM_002796.3 (MANE Select); coding-DNA position 596, T replaced by C.
Protein change: p.Leu199Pro; replaces leucine 199 with proline.
Molecular consequence: missense variant.
Genome position (GRCh38, 1-based): chr1:151,401,258, T>C. VCF-style: chr1-151401258-T-C. GRCh37 (hg19) VCF-style: chr1-151373734-T-C.
Other names: p.Leu199Pro; c.596T>C (NM_002796.2); short protein forms L199P.
Identifiers: ClinVar variation 1407198 (VCV001407198.10), dbSNP rs755747531, ClinGen allele CA1090726.
Genomic context (GRCh38, chr1:151,401,258, plus strand): 5'-CAGCCCAATATCCCCCCATGGTTTTCCCCCAATCTCCCTAGCCTCTGCTGCGAGAAGTTC[T>C]GGAGAAGCAGCCAGTGCTAAGCCAGACCGAGGCCCGCGACTTAGTAGAACGCTGCATGCG-3'
Protein context (NP_002787.2, residues 189-209): YLAQPLLREV[Leu199Pro]EKQPVLSQTE